The following is an entry in ClinVar:

ClinVar aggregate classification (germline): Likely benign (1 of 4 stars; one submission).

gnomAD v4.1: 3 of 654,344 alleles (0.00046%); highest among the groups gnomAD compares: Admixed American, 0.0073%; no homozygotes.

Submission:

GeneDx
Classification: Likely benign. Last evaluated: 2017-10-17. Review status: criteria provided, single submitter. Criteria: GeneDx Variant Classification (06012015). Collection method: clinical testing. Allele origin: germline. Affected: yes.
Comment: This variant is considered likely benign or benign based on one or more of the following criteria: it is a conservative change, it occurs at a poorly conserved position in the protein, it is predicted to be benign by multiple in silico algorithms, and/or has population frequency not consistent with disease.

NM_153741.2(DPM3):c.-11G>C

Genes: DPM3 (dolichyl-phosphate mannosyltransferase subunit 3, regulatory; minus strand), LOC129931553 (ATAC-STARR-seq lymphoblastoid active region 1807; plus strand). Cytogenetic location: 1q22.
Variant type: single nucleotide variant.
Coding change: c.-11G>C on transcript NM_153741.2 (MANE Select); 11 bases upstream of the start codon, G replaced by C.
Molecular consequence: 5 prime UTR variant.
Genome position (GRCh38, 1-based): chr1:155,140,496, C>G on the plus strand (G>C on the coding strand, the complement: DPM3 is on the minus strand). VCF-style: chr1-155140496-C-G. GRCh37 (hg19) VCF-style: chr1-155112972-C-G.
Identifiers: ClinVar variation 512572 (VCV000512572.1), dbSNP rs1029570861, ClinGen allele CA658795522.
Genomic context (GRCh38, chr1:155,140,496, plus strand): 5'-TGAGACCCACTCCCCATCTCTCGCCCTCCCCATTCAGCCTTCAACCTACACTTACCTCTA[C>G]CCCACGTCTCCCCTTCCCCGCGCGGCCCGGATGTTGGCGTCCGGAAGTCCTCCCTGGTTC-3'